The following is an entry in ClinVar:

NM_000057.4(BLM):c.3628C>T (p.Gln1210Ter)

Gene: BLM (BLM RecQ like helicase; plus strand). Cytogenetic location: 15q26.1.
Variant type: single nucleotide variant.
Coding change: c.3628C>T on transcript NM_000057.4 (MANE Select); coding-DNA position 3628, C replaced by T.
Protein change: p.Gln1210Ter; replaces glutamine 1210 with a stop codon.
Molecular consequence: nonsense. On other transcripts: intron variant (1).
Genome position (GRCh38, 1-based): chr15:90,804,236, C>T. VCF-style: chr15-90804236-C-T. GRCh37 (hg19) VCF-style: chr15-91347466-C-T.
Other names: c.3628C>T, p.Gln1210Ter (NM_001287246.2); c.2503C>T, p.Gln835Ter (NM_001287248.2); c.3359-4901C>T (NM_001287247.2); short protein forms Q835*, Q1210*.
Identifiers: ClinVar variation 2128331 (VCV002128331.4), dbSNP rs2505549921, ClinGen allele CA393848033.
Genomic context (GRCh38, chr15:90,804,236, plus strand): 5'-ATGGAAACAGAAAATTCCAGCAGTGTGAAAAAACAAAAAGCGTTAGTAGCAAAAGTGTCT[C>T]AGAGGGAAGAGATGGTTAAAAAATGTCTTGGAGAACTTACAGAAGTCTGCAAATCTCTGG-3'

ClinVar aggregate classification (germline): Pathogenic (1 of 4 stars; one submission).

Conditions:
Bloom syndrome (BLM). Also called: Bloom-Torre-Machacek syndrome. Identifiers: Orphanet 125, MedGen C0005859, MONDO:0008876, OMIM 210900.

Allele frequency attached by ClinVar (database versions not stated): gnomAD exomes below 0.00001.

Submission:

Labcorp Genetics (formerly Invitae), Labcorp
Classification: Pathogenic for Bloom syndrome. Last evaluated: 2024-06-14. Review status: criteria provided, single submitter. Criteria: Invitae Variant Classification Sherloc (09022015). Collection method: clinical testing. Allele origin: germline.
Comment: This sequence change creates a premature translational stop signal (p.Gln1210*) in the BLM gene. It is expected to result in an absent or disrupted protein product. Loss-of-function variants in BLM are known to be pathogenic (PMID: 17407155). This variant is not present in population databases (gnomAD no frequency). This variant has not been reported in the literature in individuals affected with BLM-related conditions. ClinVar contains an entry for this variant (Variation ID: 2128331). Algorithms developed to predict the effect of sequence changes on RNA splicing suggest that this variant may disrupt the consensus splice site. For these reasons, this variant has been classified as Pathogenic.

Literature cited by the submitters: PubMed 17407155.